The following is an entry in ClinVar:

ClinVar aggregate classification (germline): Conflicting classifications of pathogenicity. Review status: criteria provided, conflicting classifications (1 of 4 stars). 6 submissions from 6 submitters: Uncertain significance (4); Likely benign (2). Last evaluated 2026-09-21.

Conditions:
TTN-related disorder. Also called: TTN-related condition; TTN-related disease; TTN-related disorders.
Early-onset myopathy with fatal cardiomyopathy (CMYO5). Also called: CONGENITAL MYOPATHY 5 WITH CARDIOMYOPATHY; Salih Myopathy. Identifiers: Orphanet 289377, MedGen C2673677, MONDO:0012714, OMIM 611705. Disease mechanism: loss of function.
Autosomal recessive limb-girdle muscular dystrophy type 2J (LGMDR10). Also called: MUSCULAR DYSTROPHY, LIMB-GIRDLE, AUTOSOMAL RECESSIVE 10; Limb-girdle muscular dystrophy, type 2J. Identifiers: Orphanet 140922, MedGen C1837342, MONDO:0012127, OMIM 608807.
Hypertrophic cardiomyopathy 9. Also called: Familial hypertrophic cardiomyopathy 9. Identifiers: MedGen C1861065, MONDO:0013412, OMIM 613765.
Dilated cardiomyopathy 1G (CMD1G). Identifiers: Orphanet 154, MedGen C1858763, MONDO:0011400, OMIM 604145.
Tibial muscular dystrophy (TMD). Also called: Tibial muscular dystrophy, tardive; Udd Distal Myopathy – Tibial Muscular Dystrophy; UDD MYOPATHY. Identifiers: Orphanet 609, MedGen C1838244, MONDO:0010870, OMIM 600334.
Myopathy, myofibrillar, 9, with early respiratory failure (MFM9). Also called: EDSTROM MYOPATHY; Myopathy, distal, with early respiratory failure, autosomal dominant; Hereditary myopathy with early respiratory failure; MYOPATHY, PROXIMAL, WITH EARLY RESPIRATORY MUSCLE INVOLVEMENT. Identifiers: Orphanet 178464, Orphanet 34521, MedGen C1863599, MONDO:0011362, OMIM 603689.

Allele frequency attached by ClinVar (database versions not stated): gnomAD exomes 0.00002 and 0.00005; ESP Exome Variant Server 0.00062; ExAC 0.00007; gnomAD 0.00031 and 0.00030; TOPMed 0.00039.
gnomAD v4.1: 80 of 1,613,168 alleles (0.005%); highest among the groups gnomAD compares: African/African-American, 0.089%; no homozygotes.

Submissions (6):

Molecular Diagnostic Laboratory for Inherited Cardiovascular Disease, Montreal Heart Institute
Classification: Likely benign. Last evaluated: 2026-09-21. Review status: criteria provided, single submitter. Criteria: ACMG Guidelines, 2015. Collection method: clinical testing. Allele origin: germline. Affected: no.
Comment: BP1;BP4

PreventionGenetics, part of Exact Sciences
Classification: Uncertain significance for TTN-related condition. Last evaluated: 2026-06-30. Review status: criteria provided, single submitter. Criteria: ACMG Guidelines, 2015. Collection method: clinical testing. Allele origin: germline.
Comment: The TTN c.14240A>T variant is predicted to result in the amino acid substitution p.Asp4747Val. Of note, this variant is also referred to as c.14240A>T (p.Asp4747Val) with the alternative Novex-3 transcript NM_133379 (minor small cardiac isoform). This exon is not included in any other TTN transcripts (principle cardiac or skeletal muscle isoforms). To our knowledge, this variant has not been reported in the literature. This variant is reported in 0.061% of alleles in individuals of African descent in gnomAD. Although we suspect that this variant may be benign, at this time, the clinical significance of this variant is uncertain due to the absence of conclusive functional and genetic evidence.

Blueprint Genetics
Classification: Likely benign. Last evaluated: 2024-08-06. Review status: criteria provided, single submitter. Criteria: ACMG Guidelines, 2015. Collection method: clinical testing. Allele origin: germline.

Fulgent Genetics
Classification: Uncertain significance for Tibial muscular dystrophy; Myopathy, myofibrillar, 9, with early respiratory failure; Dilated cardiomyopathy 1G; Autosomal recessive limb-girdle muscular dystrophy type 2J; Early-onset myopathy with fatal cardiomyopathy; Hypertrophic cardiomyopathy 9. Last evaluated: 2021-08-20. Review status: criteria provided, single submitter. Criteria: ACMG Guidelines, 2015. Collection method: clinical testing. Allele origin: unknown.

Eurofins Ntd Llc (ga)
Classification: Uncertain significance. Last evaluated: 2017-11-27. Review status: criteria provided, single submitter. Criteria: EGL Classification Definitions 2015. Collection method: clinical testing. Allele origin: germline. Observed: 2 variant alleles, 2 heterozygotes.

Laboratory for Molecular Medicine, Mass General Brigham Personalized Medicine
Classification: Uncertain significance. Last evaluated: 2013-10-14. Review status: criteria provided, single submitter. Criteria: LMM Criteria. Collection method: clinical testing. Allele origin: germline. Observed: 1 variant allele.
Comment: Variant classified as Uncertain Significance - Favor Benign. The Asp4747Val vari ant in TTN has not been previously reported in individuals with cardiomyopathy, but has been identified in 0.2% (8/4404) of African American chromosomes by the NHLBI Exome Sequencing Project (dbSNP rs14958 6047). Computational analyses are limited or unavailable for this variant. While this frequency suggests that this variant is more likely benign, it is too low to confidently rule out a disease-causing role. Additional information is needed to fully assess its clinical significance.

NM_133379.5(TTN):c.14240A>T (p.Asp4747Val)

Genes: TTN (titin; minus strand), LOC126806432 (CDK7 strongly-dependent group 2 enhancer GRCh37_chr2:179611985-179613184; plus strand). Cytogenetic location: 2q31.2.
Variant type: single nucleotide variant.
Coding change: c.14240A>T on transcript NM_133379.5; coding-DNA position 14240, A replaced by T.
Protein change: p.Asp4747Val; replaces aspartic acid 4747 with valine.
Molecular consequence: missense variant. On other transcripts: intron variant (6).
Genome position (GRCh38, 1-based): chr2:178,748,160, T>A on the plus strand (A>T on the coding strand, the complement: TTN is on the minus strand). VCF-style: chr2-178748160-T-A. GRCh37 (hg19) VCF-style: chr2-179612887-T-A.
Other names: c.14240A>T (NM_133379.4); c.10222+4964A>T (NM_003319.4); c.10798+4964A>T (NM_133437.4); c.10597+4964A>T (NM_133432.3); c.10360+4964A>T (NM_133378.4, NM_001256850.1); c.11311+4964A>T (NM_001267550.2); short protein forms D4747V.
Identifiers: ClinVar variation 178260 (VCV000178260.14), dbSNP rs149586047, ClinGen allele CA181947.
Genomic context (GRCh38, chr2:178,748,160, plus strand): 5'-TTCAAATGTGAGATGGAACTTCTGCCTCCATTTTCTAGAGGACAACTTTTCTCAGAAAGA[T>A]CAGTTTCTTCTATATCTGCAGATGAGGTTGGAAGTAGGGCACATGATTCACTATAGATTT-3'